The following is an entry in ClinVar:

NM_000363.5(TNNI3):c.402C>A (p.Asp134Glu)

Gene: TNNI3 (troponin I3, cardiac type; minus strand). Cytogenetic location: 19q13.42.
Variant type: single nucleotide variant.
Coding change: c.402C>A on transcript NM_000363.5 (MANE Select); coding-DNA position 402, C replaced by A.
Protein change: p.Asp134Glu; replaces aspartic acid 134 with glutamic acid.
Molecular consequence: missense variant.
Genome position (GRCh38, 1-based): chr19:55,154,177, G>T on the plus strand (C>A on the coding strand, the complement: TNNI3 is on the minus strand). VCF-style: chr19-55154177-G-T. GRCh37 (hg19) VCF-style: chr19-55665545-G-T.
Other names: short protein forms D134E.
Identifiers: ClinVar variation 4804083 (VCV004804083.1), dbSNP rs2085712789.

ClinVar aggregate classification (germline): Uncertain significance (1 of 4 stars; one submission).

Conditions:
Hypertrophic cardiomyopathy. Also called: HYPERTROPHIC MYOCARDIOPATHY. Identifiers: Orphanet 217569, MedGen C0007194, MeSH D002312, MONDO:0005045, HP:0001639.

Submission:

Labcorp Genetics (formerly Invitae), Labcorp
Classification: Uncertain significance for Hypertrophic cardiomyopathy. Last evaluated: 2025-05-27. Review status: criteria provided, single submitter. Criteria: Invitae Variant Classification Sherloc (09022015). Collection method: clinical testing. Allele origin: germline.
Comment: This sequence change replaces aspartic acid, which is acidic and polar, with glutamic acid, which is acidic and polar, at codon 134 of the TNNI3 protein (p.Asp134Glu). This variant is not present in population databases (gnomAD no frequency). This variant has not been reported in the literature in individuals affected with TNNI3-related conditions. An algorithm developed to predict the effect of missense changes on protein structure and function (PolyPhen-2) suggests that this variant is likely to be disruptive. In summary, the available evidence is currently insufficient to determine the role of this variant in disease. Therefore, it has been classified as a Variant of Uncertain Significance.